The following continues an entry in ClinVar:

NM_000051.4(ATM):c.6537T>G (p.Ile2179Met)

ClinVar aggregate classification (germline): Conflicting classifications of pathogenicity. Uncertain significance (14); Likely benign (1).

Submissions 9 to 16 of 16:

Baylor Genetics
Classification: Uncertain significance for Familial cancer of breast. Last evaluated: 2024-03-21. Review status: criteria provided, single submitter. Criteria: ACMG Guidelines, 2015. Collection method: clinical testing. Allele origin: unknown.

Athena Diagnostics
Classification: Uncertain significance. Last evaluated: 2023-06-19. Review status: criteria provided, single submitter. Criteria: Athena Diagnostics Criteria. Collection method: clinical testing. Allele origin: unknown.
Comment: Available data are insufficient to determine the clinical significance of the variant at this time. The frequency of this variant in the general population is higher than would generally be expected for pathogenic variants in this gene. Computational tools disagree on the variant's effect on normal protein function.

National Health Laboratory Service, Universitas Academic Hospital and University of the Free State
Classification: Uncertain significance for Hereditary breast ovarian cancer syndrome. Last evaluated: 2022-04-19. Review status: criteria provided, single submitter. Criteria: ACMG Guidelines, 2015. Collection method: clinical testing. Allele origin: germline. Affected: yes. Observed: 1 variant allele.

Sema4
Classification: Uncertain significance for Hereditary cancer-predisposing syndrome. Last evaluated: 2021-12-23. Review status: criteria provided, single submitter. Criteria: Sema4 Curation Guidelines. Collection method: curation. Allele origin: germline.
Comment: The ATM c.6537T>G (p.I2179M) variant has been reported in at least one individual with breast cancer (PMID: 25186627). In a breast cancer case-control study, no significant difference was found between cases and controls (p=0.28) (PMID: 23555315). It was observed in 14/24972 chromosomes of the African/African American subpopulation, with no homozygotes, in the large and broad cohorts of the Genome Aggregation Database (PMID: 32461654). The variant has been reported in ClinVar (Variation ID 186221). Functional studies have not been performed, and in silico predictions of the variant's effect on protein function are inconclusive. The evidence is insufficient to meet ACMG/AMP criteria for classifying the variant as benign or pathogenic. Thus, the clinical significance of this variant is currently uncertain.

Fulgent Genetics
Classification: Uncertain significance for Familial cancer of breast; Ataxia-telangiectasia syndrome. Last evaluated: 2018-10-31. Review status: criteria provided, single submitter. Criteria: ACMG Guidelines, 2015. Collection method: clinical testing. Allele origin: unknown.

Mendelics
Classification: Uncertain significance for Ataxia-telangiectasia syndrome. Last evaluated: 2018-07-02. Review status: criteria provided, single submitter. Criteria: Mendelics Assertion Criteria 2017. Collection method: clinical testing. Allele origin: unknown.

Eurofins Ntd Llc (ga)
Classification: Uncertain significance. Last evaluated: 2017-03-31. Review status: criteria provided, single submitter. Criteria: EGL Classification Definitions 2015. Collection method: clinical testing. Allele origin: germline. Observed: 1 variant allele, 1 heterozygote.

Natera, Inc.
Classification: Uncertain significance for Ataxia-telangiectasia. Last evaluated: 2020-09-16. Review status: no assertion criteria provided. Collection method: clinical testing. Allele origin: germline. Not counted in ClinVar's aggregate classification.

Literature cited by the submitters: PubMed 25186627 (cited by 5 submitters); PubMed 35264596 (cited by 4 submitters); PubMed 35980532 (cited by 3 submitters); PubMed 36568162 (cited by Ambry Genetics and Women's Health and Genetics/Laboratory Corporation of America, LabCorp); PubMed 25085752 (cited by Myriad Genetics, Inc.); PubMed 23555315 (cited by 3 submitters); PubMed 31206626 (cited by Women's Health and Genetics/Laboratory Corporation of America, LabCorp); PubMed 37529773 (cited by Women's Health and Genetics/Laboratory Corporation of America, LabCorp); PubMed 28093192 (cited by Athena Diagnostics).